The following is an entry in ClinVar:

ClinVar aggregate classification (germline): Uncertain significance (1 of 4 stars; one submission).

Submission:

Labcorp Genetics (formerly Invitae), Labcorp
Classification: Uncertain significance. Last evaluated: 2022-09-04. Review status: criteria provided, single submitter. Criteria: Invitae Variant Classification Sherloc (09022015). Collection method: clinical testing. Allele origin: germline.
Comment: In summary, the available evidence is currently insufficient to determine the role of this variant in disease. Therefore, it has been classified as a Variant of Uncertain Significance. Algorithms developed to predict the effect of missense changes on protein structure and function are either unavailable or do not agree on the potential impact of this missense change (SIFT: "Deleterious"; PolyPhen-2: "Possibly Damaging"; Align-GVGD: "Class C15"). This variant has not been reported in the literature in individuals affected with TOP2B-related conditions. This variant is not present in population databases (gnomAD no frequency). This sequence change replaces serine, which is neutral and polar, with tyrosine, which is neutral and polar, at codon 406 of the TOP2B protein (p.Ser406Tyr).

NM_001330700.2(TOP2B):c.1232C>A (p.Ser411Tyr)

Gene: TOP2B (DNA topoisomerase II beta; minus strand). Cytogenetic location: 3p24.2.
Variant type: single nucleotide variant.
Coding change: c.1232C>A on transcript NM_001330700.2 (MANE Select); coding-DNA position 1232, C replaced by A.
Protein change: p.Ser411Tyr; replaces serine 411 with tyrosine.
Molecular consequence: missense variant.
Genome position (GRCh38, 1-based): chr3:25,632,480, G>T on the plus strand (C>A on the coding strand, the complement: TOP2B is on the minus strand). VCF-style: chr3-25632480-G-T. GRCh37 (hg19) VCF-style: chr3-25673971-G-T.
Other names: c.1217C>A, p.Ser406Tyr (NM_001068.3); short protein forms S406Y, S411Y.
Identifiers: ClinVar variation 1718827 (VCV001718827.5), dbSNP rs1314805712, ClinGen allele CA351910410.